The following is an entry in ClinVar:

ClinVar aggregate classification (germline): Uncertain significance (1 of 4 stars; one submission).

Conditions:
Hereditary cancer-predisposing syndrome. Also called: Neoplastic Syndromes, Hereditary; Tumor predisposition; Hereditary Cancer Syndrome; Hereditary neoplastic syndrome. Identifiers: Orphanet 140162, MedGen C0027672, MeSH D009386, MONDO:0015356.

gnomAD v4.1: 1 of 1,611,548 alleles (0.000062%); highest among the groups gnomAD compares: Non-Finnish European, 0.000085%; no homozygotes.

Submission:

Ambry Genetics
Classification: Uncertain significance for Hereditary cancer-predisposing syndrome. Last evaluated: 2020-07-20. Review status: criteria provided, single submitter. Criteria: Ambry Variant Classification Scheme 2023. Collection method: clinical testing. Allele origin: germline.
Comment: The p.R191G variant (also known as c.571C>G), located in coding exon 6 of the MRE11A gene, results from a C to G substitution at nucleotide position 571. The arginine at codon 191 is replaced by glycine, an amino acid with dissimilar properties. This amino acid position is highly conserved in available vertebrate species. In addition, this alteration is predicted to be deleterious by in silico analysis. Since supporting evidence is limited at this time, the clinical significance of this alteration remains unclear.

NM_005591.4(MRE11):c.571C>G (p.Arg191Gly)

Gene: MRE11 (MRE11 double strand break repair nuclease; minus strand). Cytogenetic location: 11q21.
Variant type: single nucleotide variant.
Coding change: c.571C>G on transcript NM_005591.4 (MANE Select); coding-DNA position 571, C replaced by G.
Protein change: p.Arg191Gly; replaces arginine 191 with glycine.
Molecular consequence: missense variant.
Genome position (GRCh38, 1-based): chr11:94,476,377, G>C on the plus strand (C>G on the coding strand, the complement: MRE11 is on the minus strand). VCF-style: chr11-94476377-G-C. GRCh37 (hg19) VCF-style: chr11-94209543-G-C.
Other names: c.571C>G, p.Arg191Gly (NM_001330347.2, NM_005590.4); short protein forms R191G.
Identifiers: ClinVar variation 1799930 (VCV001799930.2), dbSNP rs1157413766, ClinGen allele CA382376964.
Genomic context (GRCh38, chr11:94,476,377, plus strand): 5'-ACCAAGAGTTCTCATCTTCCTTTGGTCTCAACATTGTTACTTTTTTATTGACAAACATTC[G>C]ATAGAGCCTTTCATCTGGAATGGATCCTGAAATGGACATTACATTATTTTTAAATTGTTT-3'
Protein context (NP_005582.1, residues 181-201): LGSIPDERLY[Arg191Gly]MFVNKKVTML